The following is an entry in ClinVar:

NM_006734.4(HIVEP2):c.4861G>A (p.Asp1621Asn)

Gene: HIVEP2 (HIVEP zinc finger 2; minus strand). Cytogenetic location: 6q24.2.
Variant type: single nucleotide variant.
Coding change: c.4861G>A on transcript NM_006734.4 (MANE Select); coding-DNA position 4861, G replaced by A.
Protein change: p.Asp1621Asn; replaces aspartic acid 1621 with asparagine.
Molecular consequence: missense variant.
Genome position (GRCh38, 1-based): chr6:142,769,878, C>T on the plus strand (G>A on the coding strand, the complement: HIVEP2 is on the minus strand). VCF-style: chr6-142769878-C-T. GRCh37 (hg19) VCF-style: chr6-143091015-C-T.
Other names: short protein forms D1621N.
Identifiers: ClinVar variation 2632127 (VCV002632127.5), dbSNP rs367696862, ClinGen allele CA4027991.
Genomic context (GRCh38, chr6:142,769,878, plus strand): 5'-GACTGGGGAACTGAAGAATCTGCTGGAAATCTGCCATGTCCGTGAGAAGAAGAGTTGAGT[C>T]TGCCACGTTCCCGCTGGGGGCAGAGGCCATGCGGACCAGCATGCCAACAGGCCGCTTGTG-3'
Protein context (NP_006725.3, residues 1611-1631): MASAPSGNVA[Asp1621Asn]STLLLTDMAD

ClinVar aggregate classification (germline): Conflicting classifications of pathogenicity. Review status: criteria provided, conflicting classifications (1 of 4 stars). 3 submissions from 3 submitters: Uncertain significance (1); Likely benign (2). Last evaluated 2025-03-11.

Conditions:
Inborn genetic diseases. Identifiers: MedGen C0950123, MeSH D030342.
HIVEP2-related disorder. Also called: HIVEP2-related condition.

Allele frequency attached by ClinVar (database versions not stated): gnomAD exomes 0.00001; gnomAD 0.00002; TOPMed 0.00002; ExAC 0.00002; ESP Exome Variant Server 0.00008.
gnomAD v4.1: 12 of 1,614,012 alleles (0.00074%); highest among the groups gnomAD compares: Admixed American, 0.0033%; no homozygotes.

Submissions (3):

Labcorp Genetics (formerly Invitae), Labcorp
Classification: Likely benign. Last evaluated: 2025-03-11. Review status: criteria provided, single submitter. Criteria: Invitae Variant Classification Sherloc (09022015). Collection method: clinical testing. Allele origin: germline.

Ambry Genetics
Classification: Likely benign for Inborn genetic diseases. Last evaluated: 2025-03-09. Review status: criteria provided, single submitter. Criteria: Ambry Variant Classification Scheme 2023. Collection method: clinical testing. Allele origin: germline.

PreventionGenetics, part of Exact Sciences
Classification: Uncertain significance for HIVEP2-related condition. Last evaluated: 2023-04-25. Review status: criteria provided, single submitter. Criteria: ACMG Guidelines, 2015. Collection method: clinical testing. Allele origin: germline.
Comment: The HIVEP2 c.4861G>A variant is predicted to result in the amino acid substitution p.Asp1621Asn. To our knowledge, this variant has not been reported in the literature. This variant is reported in 0.0041% of alleles in individuals of African descent in gnomAD. At this time, the clinical significance of this variant is uncertain due to the absence of conclusive functional and genetic evidence.